The following is an entry in ClinVar:

ClinVar aggregate classification (germline): Uncertain significance. Review status: criteria provided, multiple submitters, no conflicts (2 of 4 stars). 5 submissions from 5 submitters: Uncertain significance (5). Last evaluated 2026-01-27.

Conditions:
Endometrial carcinoma. Also called: Endometrial carcinoma, somatic. Identifiers: MedGen C0476089, MONDO:0002447, OMIM 608089, HP:0012114.
MSH3-related disorder. Also called: MSH3-related condition.
Hereditary cancer-predisposing syndrome. Also called: Tumor predisposition; Hereditary neoplastic syndrome; Hereditary Cancer Syndrome; Neoplastic Syndromes, Hereditary. Identifiers: Orphanet 140162, MedGen C0027672, MeSH D009386, MONDO:0015356.

Allele frequency attached by ClinVar (database versions not stated): gnomAD exomes 0.00001; ExAC 0.00002; gnomAD 0.00007; TOPMed 0.00008; ESP Exome Variant Server 0.00015.
gnomAD v4.1: 16 of 1,613,606 alleles (0.00099%); highest among the groups gnomAD compares: African/African-American, 0.021%; no homozygotes.

Submissions (5):

Labcorp Genetics (formerly Invitae), Labcorp
Classification: Uncertain significance. Last evaluated: 2026-01-27. Review status: criteria provided, single submitter. Criteria: Invitae Variant Classification Sherloc (09022015). Collection method: clinical testing. Allele origin: germline.
Comment: This sequence change replaces asparagine, which is neutral and polar, with lysine, which is basic and polar, at codon 374 of the MSH3 protein (p.Asn374Lys). The frequency data for this variant in the population databases is considered unreliable, as metrics indicate poor data quality at this position in the gnomAD database. This variant has not been reported in the literature in individuals affected with MSH3-related conditions. ClinVar contains an entry for this variant (Variation ID: 660099). An algorithm developed to predict the effect of missense changes on protein structure and function (PolyPhen-2) suggests that this variant is likely to be tolerated. RNA analysis performed to evaluate the impact of this missense change on mRNA splicing indicates it does not significantly alter splicing (internal data). In summary, the available evidence is currently insufficient to determine the role of this variant in disease. Therefore, it has been classified as a Variant of Uncertain Significance.

PreventionGenetics, part of Exact Sciences
Classification: Uncertain significance for MSH3-related condition. Last evaluated: 2025-11-26. Review status: criteria provided, single submitter. Criteria: ACMG Guidelines, 2015. Collection method: clinical testing. Allele origin: germline.
Comment: The MSH3 c.1122T>G variant is predicted to result in the amino acid substitution p.Asn374Lys. To our knowledge, this variant has not been reported in the literature. This variant is reported in 0.020% of alleles in individuals of African descent in gnomAD. This variant is interpreted as uncertain significance in ClinVar (Variation ID: 660099). At this time, the clinical significance of this variant is uncertain due to the absence of conclusive functional and genetic evidence.

GeneDx
Classification: Uncertain significance. Last evaluated: 2025-03-14. Review status: criteria provided, single submitter. Criteria: GeneDx Variant Classification Process June 2021. Collection method: clinical testing. Allele origin: germline.
Comment: In silico analysis indicates that this missense variant does not alter protein structure/function; Has not been previously published as pathogenic or benign to our knowledge

Ambry Genetics
Classification: Uncertain significance for Hereditary cancer-predisposing syndrome. Last evaluated: 2024-09-06. Review status: criteria provided, single submitter. Criteria: Ambry Variant Classification Scheme 2023. Collection method: clinical testing. Allele origin: germline.
Comment: The p.N374K variant (also known as c.1122T>G), located in coding exon 7 of the MSH3 gene, results from a T to G substitution at nucleotide position 1122. The asparagine at codon 374 is replaced by lysine, an amino acid with similar properties. This amino acid position is not well conserved in available vertebrate species. In addition, this alteration is predicted to be tolerated by in silico analysis. Based on the available evidence, the clinical significance of this variant remains unclear.

Baylor Genetics
Classification: Uncertain significance for Endometrial carcinoma. Last evaluated: 2024-02-16. Review status: criteria provided, single submitter. Criteria: ACMG Guidelines, 2015. Collection method: clinical testing. Allele origin: unknown.

NM_002439.5(MSH3):c.1122T>G (p.Asn374Lys)

Gene: MSH3 (mutS homolog 3; plus strand). Cytogenetic location: 5q14.1.
Variant type: single nucleotide variant.
Coding change: c.1122T>G on transcript NM_002439.5 (MANE Select); coding-DNA position 1122, T replaced by G.
Protein change: p.Asn374Lys; replaces asparagine 374 with lysine.
Molecular consequence: missense variant.
Genome position (GRCh38, 1-based): chr5:80,675,077, T>G. VCF-style: chr5-80675077-T-G. GRCh37 (hg19) VCF-style: chr5-79970896-T-G.
Other names: short protein forms N374K.
Identifiers: ClinVar variation 660099 (VCV000660099.19), dbSNP rs146703236, ClinGen allele CA3327800.